The following is an entry in ClinVar:

NM_000130.5(F5):c.4095C>T (p.Thr1365=)

Gene: F5 (coagulation factor V; minus strand). Cytogenetic location: 1q24.2.
Variant type: single nucleotide variant.
Coding change: c.4095C>T on transcript NM_000130.5 (MANE Select); coding-DNA position 4095, C replaced by T.
Protein change: p.Thr1365=; no amino-acid change (threonine 1365 retained).
Molecular consequence: synonymous variant.
Genome position (GRCh38, 1-based): chr1:169,540,995, G>A on the plus strand (C>T on the coding strand, the complement: F5 is on the minus strand). VCF-style: chr1-169540995-G-A. GRCh37 (hg19) VCF-style: chr1-169510233-G-A.
Other names: p.Thr1365=.
Identifiers: ClinVar variation 255208 (VCV000255208.15), dbSNP rs9332607, ClinGen allele CA1233757.

ClinVar aggregate classification (germline): Benign/Likely benign. Review status: criteria provided, multiple submitters, no conflicts (2 of 4 stars). 9 submissions from 7 submitters: Benign (7); Likely benign (1). 1 of the submissions does not count toward it. Last evaluated 2026-02-04.

Conditions:
Thrombophilia due to thrombin defect (THPH1). Also called: Thrombosis susceptibility; THROMBOPHILIA DUE TO FACTOR 2 DEFECT; Prothrombin-Related Thrombophilia (Factor II); Prothrombin Thrombophilia. Identifiers: MedGen C3160733, MONDO:0008559, OMIM 188050. Disease mechanism: gain of function, loss of function.
Congenital factor V deficiency. Also called: LABILE FACTOR DEFICIENCY; OWREN PARAHEMOPHILIA; PARAHEMOPHILIA; Hereditary factor V deficiency disease. Identifiers: Orphanet 326, MedGen C0015499, MONDO:0009210, OMIM 227400.
Budd-Chiari syndrome (BDCHS). Also called: Hepatic vein obstruction. Identifiers: Orphanet 131, MedGen C0856761, MONDO:0010947, OMIM 600880, HP:0002639.
Factor V deficiency. Also called: Reduced coagulation factor V activity. Identifiers: Orphanet 326, MedGen C4317320, MONDO:0020586, HP:0003225.

Allele frequency attached by ClinVar (database versions not stated): 1000 Genomes Project 0.18211; gnomAD 0.28700 and 0.29522; gnomAD exomes 0.29421 and 0.38026; ExAC 0.29582; ESP Exome Variant Server 0.32908.
gnomAD v4.1: 596,477 of 1,609,928 alleles (37%); highest among the groups gnomAD compares: Non-Finnish European, 42%; 119,203 homozygotes.

Submissions (9):

Labcorp Genetics (formerly Invitae), Labcorp
Classification: Benign for Congenital factor V deficiency. Last evaluated: 2026-02-04. Review status: criteria provided, single submitter. Criteria: Invitae Variant Classification Sherloc (09022015). Collection method: clinical testing. Allele origin: germline.

GeneDx
Classification: Benign. Last evaluated: 2018-11-10. Review status: criteria provided, single submitter. Criteria: GeneDx Variant Classification Process June 2021. Collection method: clinical testing. Allele origin: germline. Affected: yes.

Illumina Laboratory Services, Illumina
Classification: Benign for Congenital factor V deficiency. Last evaluated: 2018-01-12. Review status: criteria provided, single submitter. Criteria: ICSL Variant Classification Criteria 13 December 2019. Collection method: clinical testing. Allele origin: germline.
Comment: This variant was observed in the ICSL laboratory as part of a predisposition screen in an ostensibly healthy population. It had not been previously curated by ICSL or reported in the Human Gene Mutation Database (HGMD: prior to June 1st, 2018), and was therefore a candidate for classification through an automated scoring system. Utilizing variant allele frequency, disease prevalence and penetrance estimates, and inheritance mode, an automated score was calculated to assess if this variant is too frequent to cause the disease. Based on the score and internal cut-off values, a variant classified as benign is not then subjected to further curation. The score for this variant resulted in a classification of benign for this disease.

Illumina Laboratory Services, Illumina
Classification: Benign for Venous thrombosis. Last evaluated: 2018-01-12. Review status: criteria provided, single submitter. Criteria: ICSL Variant Classification Criteria 13 December 2019. Collection method: clinical testing. Allele origin: germline.
Comment: the same text as in the submission from Illumina Laboratory Services, Illumina above.

Illumina Laboratory Services, Illumina
Classification: Benign for Budd-Chiari syndrome. Last evaluated: 2018-01-12. Review status: criteria provided, single submitter. Criteria: ICSL Variant Classification Criteria 13 December 2019. Collection method: clinical testing. Allele origin: germline.
Comment: the same text as in the submission from Illumina Laboratory Services, Illumina above.

Mayo Clinic Laboratories, Mayo Clinic
Classification: Benign. Last evaluated: 2016-05-25. Review status: criteria provided, single submitter. Criteria: ACMG Guidelines, 2015. Collection method: clinical testing. Allele origin: germline. Observed: 125 variant alleles.

Breakthrough Genomics
Classification: Likely benign. Review status: criteria provided, single submitter. Criteria: ACMG Guidelines, 2015. Collection method: not provided. Allele origin: germline. Inheritance: Autosomal recessive inheritance. Affected: yes.

PreventionGenetics, part of Exact Sciences
Classification: Benign. Review status: criteria provided, single submitter. Criteria: ACMG Guidelines, 2015. Collection method: clinical testing. Allele origin: germline.

Department of Pathology and Laboratory Medicine, Sinai Health System
Classification: Uncertain significance. Review status: no assertion criteria provided. Collection method: clinical testing. Allele origin: unknown. Affected: yes. Study: The Canadian Open Genetics Repository (COGR). Not counted in ClinVar's aggregate classification.
Comment: multiple AR variants in same gene - keep for nowAllele frequency is common in at least one population database (frequency: 40.459% in gnomAD_Exomes) based on the frequency threshold of 5.0% for this gene.Variant was observed in a homozygous state in population databases more than expected for disease.A synonymous variant not located in a splice region.